The following is an entry in ClinVar:

ClinVar aggregate classification (germline): Likely pathogenic (1 of 4 stars; one submission).

Submission:

GeneDx
Classification: Likely pathogenic. Last evaluated: 2026-09-16. Review status: criteria provided, single submitter. Criteria: GeneDx Variant Classification Process June 2021. Collection method: clinical testing. Allele origin: germline.
Comment: Frameshift variant predicted to result in protein truncation or nonsense mediated decay in a gene for which loss of function is a known mechanism of disease; Not observed at significant frequency in large population cohorts (gnomAD); Has not been previously published as pathogenic or benign to our knowledge; This variant is associated with the following publications: (PMID: 20681998, 33767344)

NM_000540.3(RYR1):c.13764del (p.Glu4590fs)

Gene: RYR1 (ryanodine receptor 1; plus strand). Cytogenetic location: 19q13.2.
Variant type: Deletion.
Coding change: c.13764del on transcript NM_000540.3 (MANE Select); coding-DNA position 13764, one base deleted (A; older notation c.13764delA).
Protein change: p.Glu4590fs; shifts the reading frame from glutamic acid 4590.
Molecular consequence: frameshift variant.
Genome position (GRCh38, 1-based): chr19:38,572,036, A deleted. VCF-style (leftmost placement, unchanged base first): chr19-38572035-CA-C. GRCh37 (hg19) VCF-style: chr19-39062675-CA-C.
Other names: c.13764delA (NM_000540.2); c.13749del, p.Glu4585fs (NM_001042723.2); c.13764del (NM_000540.2); short protein forms E4585fs, E4590fs.
Identifiers: ClinVar variation 504159 (VCV000504159.3), dbSNP rs1555801843, ClinGen allele CA658799218.